The following is an entry in ClinVar:

NM_020822.3(KCNT1):c.2103C>T (p.Asn701=)

Gene: KCNT1 (potassium sodium-activated channel subfamily T member 1; plus strand). Cytogenetic location: 9q34.3.
Variant type: single nucleotide variant.
Coding change: c.2103C>T on transcript NM_020822.3 (MANE Select); coding-DNA position 2103, C replaced by T.
Protein change: p.Asn701=; no amino-acid change (asparagine 701 retained).
Molecular consequence: synonymous variant.
Genome position (GRCh38, 1-based): chr9:135,772,809, C>T. VCF-style: chr9-135772809-C-T. GRCh37 (hg19) VCF-style: chr9-138664655-C-T.
Other names: c.1968C>T, p.Asn656= (NM_001272003.2).
Identifiers: ClinVar variation 512470 (VCV000512470.13), dbSNP rs375289689, ClinGen allele CA5327184.

ClinVar aggregate classification (germline): Likely benign. Review status: criteria provided, multiple submitters, no conflicts (2 of 4 stars). 5 submissions from 4 submitters: Likely benign (5). Last evaluated 2025-10-28.

Conditions:
Inborn genetic diseases. Identifiers: MedGen C0950123, MeSH D030342.
Autosomal dominant nocturnal frontal lobe epilepsy 5. Also called: Epilepsy, nocturnal frontal lobe, 5; CILIARY DYSKINESIA, PRIMARY, 28, WITHOUT SITUS INVERSUS; CILIARY DYSKINESIA, PRIMARY, 28, WITH SITUS INVERSUS; KCNT1-Related Epilepsy. Identifiers: Orphanet 98784, MedGen C3554306, MONDO:0014002, OMIM 615005.
Developmental and epileptic encephalopathy, 14 (DEE14). Also called: Early infantile epileptic encephalopathy 14. Identifiers: Orphanet 293181, MedGen C3554195, MONDO:0013989, OMIM 614959.

Allele frequency attached by ClinVar (database versions not stated): gnomAD 0.00001; TOPMed 0.00001; ESP Exome Variant Server 0.00009; ExAC 0.00031.
gnomAD v4.1: 43 of 1,513,648 alleles (0.0028%); highest among the groups gnomAD compares: East Asian, 0.0075%; no homozygotes.

Submissions (5):

Labcorp Genetics (formerly Invitae), Labcorp
Classification: Likely benign for Autosomal dominant nocturnal frontal lobe epilepsy 5; Developmental and epileptic encephalopathy, 14. Last evaluated: 2025-10-28. Review status: criteria provided, single submitter. Criteria: Invitae Variant Classification Sherloc (09022015). Collection method: clinical testing. Allele origin: germline.

Genome-Nilou Lab
Classification: Likely benign for Developmental and epileptic encephalopathy, 14. Last evaluated: 2022-03-15. Review status: criteria provided, single submitter. Criteria: ACMG Guidelines, 2015. Collection method: clinical testing. Allele origin: germline. Affected: no.

Genome-Nilou Lab
Classification: Likely benign for Autosomal dominant nocturnal frontal lobe epilepsy 5. Last evaluated: 2022-03-15. Review status: criteria provided, single submitter. Criteria: ACMG Guidelines, 2015. Collection method: clinical testing. Allele origin: germline. Affected: no.

Ambry Genetics
Classification: Likely benign for Inborn genetic diseases. Last evaluated: 2018-02-21. Review status: criteria provided, single submitter. Criteria: Ambry Variant Classification Scheme 2023. Collection method: clinical testing. Allele origin: germline.

GeneDx
Classification: Likely benign. Last evaluated: 2017-10-03. Review status: criteria provided, single submitter. Criteria: GeneDx Variant Classification (06012015). Collection method: clinical testing. Allele origin: germline. Affected: yes.
Comment: This variant is considered likely benign or benign based on one or more of the following criteria: it is a conservative change, it occurs at a poorly conserved position in the protein, it is predicted to be benign by multiple in silico algorithms, and/or has population frequency not consistent with disease.